The following is an entry in ClinVar:

NM_001330360.2(POLA1):c.2045G>A (p.Arg682Gln)

Gene: POLA1 (DNA polymerase alpha 1, catalytic subunit; plus strand). Cytogenetic location: Xp22.11.
Variant type: single nucleotide variant.
Coding change: c.2045G>A on transcript NM_001330360.2 (MANE Select); coding-DNA position 2045, G replaced by A.
Protein change: p.Arg682Gln; replaces arginine 682 with glutamine.
Molecular consequence: missense variant.
Genome position (GRCh38, 1-based): chrX:24,739,379, G>A. VCF-style: chrX-24739379-G-A. GRCh37 (hg19) VCF-style: chrX-24757496-G-A.
Other names: c.1970G>A, p.Arg657Gln (NM_001378303.1); c.2027G>A, p.Arg676Gln (NM_016937.4); short protein forms R657Q, R682Q, R676Q.
Identifiers: ClinVar variation 1490175 (VCV001490175.8), dbSNP rs910915814, ClinGen allele CA326903741.
Genomic context (GRCh38, chrX:24,739,379, plus strand): 5'-AAATGTTCTCAGTGTCTGCTCTTTCATGAAGTTTGCTTTTTGTTCCCATCTTGTAGGGCC[G>A]GAGTGGATTTGGTGAAAGAAATGCTACCTGTGGTCGAATGATCTGTGATGTGGAAATTTC-3'
Protein context (NP_001317289.1, residues 672-692): KRSNMPKLGG[Arg682Gln]SGFGERNATC

ClinVar aggregate classification (germline): Uncertain significance (1 of 4 stars; one submission).

Allele frequency attached by ClinVar (database versions not stated): gnomAD exomes below 0.00001; TOPMed 0.00002.
gnomAD v4.1: 4 of 1,180,494 alleles (0.00034%); highest among the groups gnomAD compares: Non-Finnish European, 0.00046%; no homozygotes.

Submission:

Labcorp Genetics (formerly Invitae), Labcorp
Classification: Uncertain significance. Last evaluated: 2021-05-16. Review status: criteria provided, single submitter. Criteria: Invitae Variant Classification Sherloc (09022015). Collection method: clinical testing. Allele origin: germline.
Comment: This sequence change replaces arginine with glutamine at codon 676 of the POLA1 protein (p.Arg676Gln). The arginine residue is highly conserved and there is a small physicochemical difference between arginine and glutamine. This variant is not present in population databases (ExAC no frequency). In summary, the available evidence is currently insufficient to determine the role of this variant in disease. Therefore, it has been classified as a Variant of Uncertain Significance. Algorithms developed to predict the effect of missense changes on protein structure and function are either unavailable or do not agree on the potential impact of this missense change (SIFT: "Deleterious"; PolyPhen-2: "Benign"; Align-GVGD: "Class C0"). This variant has not been reported in the literature in individuals with POLA1-related conditions.